The following is an entry in ClinVar:

ClinVar aggregate classification (germline): Conflicting classifications of pathogenicity. Review status: criteria provided, conflicting classifications (1 of 4 stars). 4 submissions from 4 submitters: Likely pathogenic (2); Uncertain significance (2). Last evaluated 2025-05-29.

Conditions:
von Willebrand disease type 2 (VWD2). Also called: VON WILLEBRAND DISEASE, TYPE 2A/IIE; VON WILLEBRAND DISEASE, TYPE 2CB; VON WILLEBRAND DISEASE, TYPE II; VWD, TYPE 2. Identifiers: Orphanet 166081, Orphanet 903, MedGen C1264040, MONDO:0013304, OMIM 613554.
Von Willebrand disease type 2B. Identifiers: Orphanet 166087, MedGen C1282971, MONDO:0015629.

Submissions (4):

Revvity Omics, Revvity
Classification: Uncertain significance. Last evaluated: 2025-05-29. Review status: criteria provided, single submitter. Criteria: ACMG Guidelines, 2015. Collection method: clinical testing. Allele origin: germline.

ARUP Laboratories, Molecular Genetics and Genomics, ARUP Laboratories
Classification: Uncertain significance. Last evaluated: 2023-10-02. Review status: criteria provided, single submitter. Criteria: ARUP Molecular Germline Variant Investigation Process 2024. Collection method: clinical testing. Allele origin: germline.
Comment: The VWF c.3845T>C; p.Leu1282Pro variant is reported in the literature in two individuals affected with von Willebrand Disease type 2M and type 2A (Atiq 2022, Maas 2022). This variant is reported in ClinVar (Variation ID: 1695355), and is absent from the Genome Aggregation Database, indicating it is not a common polymorphism. Computational analyses predict that this variant is deleterious (REVEL: 0.91). Due to limited information, the clinical significance of this variant is uncertain at this time. References: Atiq F et al. Importance of Genotyping in von Willebrand Disease to Elucidate Pathogenic Mechanisms and Variability in Phenotype. Hemasphere. 2022 May 11;6(6):e718. PMID: 35747851. Maas DPMSM et al. Von Willebrand disease type 2M: Correlation between genotype and phenotype. J Thromb Haemost. 2022 Feb;20(2):316-327. PMID: 34758185.

Genetics and Molecular Pathology, SA Pathology
Classification: Likely pathogenic for Von Willebrand disease type 2B. Last evaluated: 2022-04-22. Review status: criteria provided, single submitter. Criteria: ACMG Guidelines, 2015. Collection method: clinical testing. Allele origin: germline. Affected: yes.

Laboratory of Hematology, Radboud University Medical Center
Classification: Likely pathogenic for von Willebrand disease type 2. Last evaluated: 2021-01-12. Review status: criteria provided, single submitter. Criteria: ACMG Guidelines, 2015. Collection method: research. Allele origin: germline. Affected: yes. Observed: 2 variant alleles. Study: WIN study.

NM_000552.5(VWF):c.3845T>C (p.Leu1282Pro)

Gene: VWF (von Willebrand factor; minus strand). Cytogenetic location: 12p13.31.
Variant type: single nucleotide variant.
Coding change: c.3845T>C on transcript NM_000552.5 (MANE Select); coding-DNA position 3845, T replaced by C.
Protein change: p.Leu1282Pro; replaces leucine 1282 with proline.
Molecular consequence: missense variant.
Genome position (GRCh38, 1-based): chr12:6,019,573, A>G on the plus strand (T>C on the coding strand, the complement: VWF is on the minus strand). VCF-style: chr12-6019573-A-G. GRCh37 (hg19) VCF-style: chr12-6128739-A-G.
Other names: p.L1282P; c.3845T>C (NM_000552.4); short protein forms L1282P.
Identifiers: ClinVar variation 1695355 (VCV001695355.5), dbSNP rs61749378, ClinGen allele CA383506833.